The following is an entry in ClinVar:

NM_004006.3(DMD):c.793C>T (p.His265Tyr)

Gene: DMD (dystrophin; minus strand). Cytogenetic location: Xp21.1.
Variant type: single nucleotide variant.
Coding change: c.793C>T on transcript NM_004006.3 (MANE Select); coding-DNA position 793, C replaced by T.
Protein change: p.His265Tyr; replaces histidine 265 with tyrosine.
Molecular consequence: missense variant.
Genome position (GRCh38, 1-based): chrX:32,699,150, G>A on the plus strand (C>T on the coding strand, the complement: DMD is on the minus strand). VCF-style: chrX-32699150-G-A. GRCh37 (hg19) VCF-style: chrX-32717267-G-A.
Other names: c.769C>T, p.His257Tyr (NM_000109.4); c.781C>T, p.His261Tyr (NM_004009.3); c.424C>T, p.His142Tyr (NM_004010.3); short protein forms H142Y, H257Y, H265Y, H261Y.
Identifiers: ClinVar variation 1467194 (VCV001467194.8), dbSNP rs1603150210, ClinGen allele CA412668867.

ClinVar aggregate classification (germline): Uncertain significance (1 of 4 stars; one submission).

Conditions:
Duchenne muscular dystrophy (DMD). Also called: Duchenne Muscular Dystrophy (DMD); MUSCULAR DYSTROPHY, PSEUDOHYPERTROPHIC PROGRESSIVE, DUCHENNE TYPE. Identifiers: Orphanet 98896, MedGen C0013264, MONDO:0010679, OMIM 310200.

Submission:

Labcorp Genetics (formerly Invitae), Labcorp
Classification: Uncertain significance for Duchenne muscular dystrophy. Last evaluated: 2022-02-10. Review status: criteria provided, single submitter. Criteria: Invitae Variant Classification Sherloc (09022015). Collection method: clinical testing. Allele origin: germline.
Comment: In summary, the available evidence is currently insufficient to determine the role of this variant in disease. Therefore, it has been classified as a Variant of Uncertain Significance. This sequence change replaces histidine, which is basic and polar, with tyrosine, which is neutral and polar, at codon 265 of the DMD protein (p.His265Tyr). Algorithms developed to predict the effect of missense changes on protein structure and function are either unavailable or do not agree on the potential impact of this missense change (SIFT: "Tolerated"; PolyPhen-2: "Possibly Damaging"; Align-GVGD: "Class C0"). This variant has not been reported in the literature in individuals affected with DMD-related conditions. This variant is not present in population databases (gnomAD no frequency).